The following is an entry in ClinVar:

ClinVar aggregate classification (germline): Uncertain significance (1 of 4 stars; one submission).

gnomAD v4.1: 16 of 1,614,092 alleles (0.00099%); highest among the groups gnomAD compares: Non-Finnish European, 0.0014%; no homozygotes.

Submission:

Ambry Genetics
Classification: Uncertain significance. Last evaluated: 2025-10-17. Review status: criteria provided, single submitter. Criteria: Ambry Variant Classification Scheme 2023. Collection method: clinical testing. Allele origin: germline.
Comment: The p.S1609A variant (also known as c.4825T>G), located in coding exon 43 of the KIF1B gene, results from a T to G substitution at nucleotide position 4825. The serine at codon 1609 is replaced by alanine, an amino acid with similar properties. This amino acid position is conserved. In addition, this alteration is predicted to be tolerated by in silico analysis. Based on the available evidence, the clinical significance of this variant remains unclear.

NM_001365951.3(KIF1B):c.4963T>G (p.Ser1655Ala)

Gene: KIF1B (kinesin family member 1B; plus strand). Cytogenetic location: 1p36.22.
Variant type: single nucleotide variant.
Coding change: c.4963T>G on transcript NM_001365951.3 (MANE Select); coding-DNA position 4963, T replaced by G.
Protein change: p.Ser1655Ala; replaces serine 1655 with alanine.
Molecular consequence: missense variant.
Genome position (GRCh38, 1-based): chr1:10,374,332, T>G. VCF-style: chr1-10374332-T-G. GRCh37 (hg19) VCF-style: chr1-10434390-T-G.
Other names: c.4963T>G, p.Ser1655Ala (NM_001365952.1); c.4825T>G, p.Ser1609Ala (NM_015074.3); short protein forms S1609A, S1655A.
Identifiers: ClinVar variation 4543598 (VCV004543598.1).